The following is an entry in ClinVar:

ClinVar aggregate classification (germline): Conflicting classifications of pathogenicity. Review status: criteria provided, conflicting classifications (1 of 4 stars). 7 submissions from 7 submitters: Uncertain significance (4); Likely benign (1). 2 of the submissions do not count toward it. Last evaluated 2025-08-08.

Conditions:
Familial thoracic aortic aneurysm and aortic dissection (TAAD). Also called: Thoracic aortic aneurysms and dissections. Identifiers: Orphanet 91387, MedGen C4707243, MONDO:0019625.
Cardiovascular phenotype. Identifiers: MedGen CN230736.
Congenital primary aphakia. Also called: ANTERIOR SEGMENT DYSGENESIS 2; Anterior segment dysgenesis 2, multiple subtypes. Identifiers: Orphanet 83461, MedGen C1853230, MONDO:0012456, OMIM 610256.
Anterior segment dysgenesis. Also called: Ocular anterior segment dysgenesis. Identifiers: Orphanet 88632, MedGen C1862839, MONDO:0019503, HP:0007700.

Allele frequency attached by ClinVar (database versions not stated): gnomAD exomes 0.00004; TOPMed 0.00004.
gnomAD v4.1: 100 of 1,337,868 alleles (0.0075%); highest among the groups gnomAD compares: Non-Finnish European, 0.0089%; no homozygotes.

Submissions (7):

Labcorp Genetics (formerly Invitae), Labcorp
Classification: Uncertain significance for Anterior segment dysgenesis; Congenital primary aphakia. Last evaluated: 2025-08-08. Review status: criteria provided, single submitter. Criteria: Invitae Variant Classification Sherloc (09022015). Collection method: clinical testing. Allele origin: germline.
Comment: This sequence change replaces proline, which is neutral and non-polar, with serine, which is neutral and polar, at codon 235 of the FOXE3 protein (p.Pro235Ser). The frequency data for this variant in the population databases is considered unreliable, as metrics indicate poor data quality at this position in the gnomAD database. This variant has not been reported in the literature in individuals affected with FOXE3-related conditions. ClinVar contains an entry for this variant (Variation ID: 848730). Invitae Evidence Modeling of protein sequence and biophysical properties (such as structural, functional, and spatial information, amino acid conservation, physicochemical variation, residue mobility, and thermodynamic stability) indicates that this missense variant is not expected to disrupt FOXE3 protein function with a negative predictive value of 95%. In summary, the available evidence is currently insufficient to determine the role of this variant in disease. Therefore, it has been classified as a Variant of Uncertain Significance.

Ambry Genetics
Classification: Uncertain significance for Cardiovascular phenotype. Last evaluated: 2025-06-20. Review status: criteria provided, single submitter. Criteria: Ambry Variant Classification Scheme 2023. Collection method: clinical testing. Allele origin: germline.
Comment: The p.P235S variant (also known as c.703C>T), located in coding exon 1 of the FOXE3 gene, results from a C to T substitution at nucleotide position 703. The proline at codon 235 is replaced by serine, an amino acid with similar properties. This amino acid position is not well conserved in available vertebrate species, and serine is the reference amino acid in other vertebrate species. In addition, this alteration is predicted to be tolerated by in silico analysis. Since supporting evidence is limited at this time, the clinical significance of this alteration remains unclear.

ARUP Laboratories, Molecular Genetics and Genomics, ARUP Laboratories
Classification: Uncertain significance. Last evaluated: 2025-03-07. Review status: criteria provided, single submitter. Criteria: ARUP Molecular Germline Variant Investigation Process 2024. Collection method: clinical testing. Allele origin: germline.
Comment: The FOXE3 c.703C>T; p.Pro235Ser variant (rs112802909), to our knowledge, is not reported in the medical literature but is reported in ClinVar (Variation ID: 848730). This variant is only observed on three alleles in the Genome Aggregation Database (v2.1.1), indicating it is not a common polymorphism. Computational analyses are uncertain whether this variant is neutral or deleterious (REVEL: 0.186). Due to limited information, the clinical significance of this variant is uncertain at this time.

Blueprint Genetics
Classification: Likely benign. Last evaluated: 2023-07-04. Review status: criteria provided, single submitter. Criteria: ACMG Guidelines, 2015. Collection method: clinical testing. Allele origin: germline.

CHEO Genetics Diagnostic Laboratory, Children's Hospital of Eastern Ontario
Classification: Uncertain significance for Familial thoracic aortic aneurysm and aortic dissection. Last evaluated: 2023-03-03. Review status: criteria provided, single submitter. Criteria: ACMG Guidelines, 2015. Collection method: clinical testing. Allele origin: germline.

Clinical Genetics DNA and cytogenetics Diagnostics Lab, Erasmus MC, Erasmus Medical Center
Classification: Likely benign. Review status: no assertion criteria provided. Collection method: clinical testing. Allele origin: germline. Affected: yes. Study: VKGL Data-share Consensus. Not counted in ClinVar's aggregate classification.

Joint Genome Diagnostic Labs from Nijmegen and Maastricht, Radboudumc and MUMC+
Classification: Likely benign. Review status: no assertion criteria provided. Collection method: clinical testing. Allele origin: germline. Affected: yes. Study: VKGL Data-share Consensus. Not counted in ClinVar's aggregate classification.

NM_012186.3(FOXE3):c.703C>T (p.Pro235Ser)

Genes: FOXE3 (forkhead box E3; plus strand), LINC01389 (long independently transcribed non-coding RNA 1389; minus strand). Cytogenetic location: 1p33.
Variant type: single nucleotide variant.
Coding change: c.703C>T on transcript NM_012186.3 (MANE Select); coding-DNA position 703, C replaced by T.
Protein change: p.Pro235Ser; replaces proline 235 with serine.
Molecular consequence: missense variant.
Genome position (GRCh38, 1-based): chr1:47,417,018, C>T. VCF-style: chr1-47417018-C-T. GRCh37 (hg19) VCF-style: chr1-47882690-C-T.
Other names: short protein forms P235S.
Identifiers: ClinVar variation 848730 (VCV000848730.18), dbSNP rs112802909, ClinGen allele CA22069202.
Genomic context (GRCh38, chr1:47,417,018, plus strand): 5'-CGTCTGTTCAGCGTCGACAGCCTGGTGAACCTGCAGCCGGAGCTAGCGGGGCTGGGCGCC[C>T]CCGAGCCGCCCTGCTGCGCCGCGCCCGACGCCGCAGCCGCAGCCTTCCCGCCCTGCGCTG-3'
Protein context (NP_036318.1, residues 225-245): LQPELAGLGA[Pro235Ser]EPPCCAAPDA